The following is an entry in ClinVar:

ClinVar aggregate classification (germline): Uncertain significance (1 of 4 stars; one submission).

Conditions:
Autosomal dominant Parkinson disease 8. Also called: Parkinson disease 8; Parkinson disease 8, susceptibility to; LRRK2-Related Parkinson Disease. Identifiers: Orphanet 411602, MedGen C1846862, MONDO:0011764, OMIM 607060.

Allele frequency attached by ClinVar (database versions not stated): gnomAD 0.00003; ESP Exome Variant Server 0.00008.
gnomAD v4.1: 8 of 1,613,714 alleles (0.0005%); highest among the groups gnomAD compares: African/African-American, 0.0053%; no homozygotes.

Submission:

Labcorp Genetics (formerly Invitae), Labcorp
Classification: Uncertain significance for Autosomal dominant Parkinson disease 8. Last evaluated: 2024-10-02. Review status: criteria provided, single submitter. Criteria: Invitae Variant Classification Sherloc (09022015). Collection method: clinical testing. Allele origin: germline.
Comment: This sequence change affects codon 1067 of the LRRK2 mRNA. It is a 'silent' change, meaning that it does not change the encoded amino acid sequence of the LRRK2 protein. This variant is not present in population databases (gnomAD no frequency). This variant has not been reported in the literature in individuals affected with LRRK2-related conditions. ClinVar contains an entry for this variant (Variation ID: 1404747). Algorithms developed to predict the effect of sequence changes on RNA splicing suggest that this variant may disrupt the consensus splice site. In summary, the available evidence is currently insufficient to determine the role of this variant in disease. Therefore, it has been classified as a Variant of Uncertain Significance.

NM_198578.4(LRRK2):c.3199C>A (p.Arg1067=)

Gene: LRRK2 (leucine rich repeat kinase 2; plus strand). Cytogenetic location: 12q12.
Variant type: single nucleotide variant.
Coding change: c.3199C>A on transcript NM_198578.4 (MANE Select); coding-DNA position 3199, C replaced by A.
Protein change: p.Arg1067=; no amino-acid change (arginine 1067 retained).
Molecular consequence: synonymous variant.
Genome position (GRCh38, 1-based): chr12:40,298,345, C>A. VCF-style: chr12-40298345-C-A. GRCh37 (hg19) VCF-style: chr12-40692147-C-A.
Identifiers: ClinVar variation 1404747 (VCV001404747.6), dbSNP rs146948714, ClinGen allele CA6513855.